The following is an entry in ClinVar:

NM_022041.4(GAN):c.95C>T (p.Ala32Val)

Genes: GAN (gigaxonin; plus strand), LOC130059498 (ATAC-STARR-seq lymphoblastoid silent region 7753; plus strand). Cytogenetic location: 16q23.2.
Variant type: single nucleotide variant.
Coding change: c.95C>T on transcript NM_022041.4 (MANE Select); coding-DNA position 95, C replaced by T.
Protein change: p.Ala32Val; replaces alanine 32 with valine.
Molecular consequence: missense variant. On other transcripts: 5 prime UTR variant (1).
Genome position (GRCh38, 1-based): chr16:81,315,208, C>T. VCF-style: chr16-81315208-C-T. GRCh37 (hg19) VCF-style: chr16-81348813-C-T.
Other names: c.-430C>T (NM_001377486.1); short protein forms A32V.
Identifiers: ClinVar variation 1368271 (VCV001368271.8), dbSNP rs2150663622, ClinGen allele CA396854761.

ClinVar aggregate classification (germline): Uncertain significance (1 of 4 stars; one submission).

Conditions:
Giant axonal neuropathy 1 (GAN1). Also called: GIANT AXONAL NEUROPATHY 1, AUTOSOMAL RECESSIVE; GAN-Related Neurodegeneration. Identifiers: Orphanet 643, MedGen C1850386, MONDO:0009749, OMIM 256850.

Submission:

Labcorp Genetics (formerly Invitae), Labcorp
Classification: Uncertain significance for Giant axonal neuropathy 1. Last evaluated: 2021-07-17. Review status: criteria provided, single submitter. Criteria: Invitae Variant Classification Sherloc (09022015). Collection method: clinical testing. Allele origin: germline.
Comment: This variant is not present in population databases (ExAC no frequency). In summary, the available evidence is currently insufficient to determine the role of this variant in disease. Therefore, it has been classified as a Variant of Uncertain Significance. Algorithms developed to predict the effect of missense changes on protein structure and function (SIFT, PolyPhen-2, Align-GVGD) all suggest that this variant is likely to be tolerated. This variant has not been reported in the literature in individuals affected with GAN-related conditions. This sequence change replaces alanine with valine at codon 32 of the GAN protein (p.Ala32Val). The alanine residue is moderately conserved and there is a small physicochemical difference between alanine and valine.